The following is an entry in ClinVar:

ClinVar aggregate classification (germline): Likely pathogenic (1 of 4 stars; one submission).

Conditions:
Aarskog syndrome (AAS). Also called: FGD1-Related Faciogenital Dysplasia (Aarskog-Scott Syndrome); FGDY; Aarskog Scott syndrome; Aarskog disease; Aarskog-Scott syndrome, X-linked. Identifiers: Orphanet 915, MedGen C0175701, MONDO:0010589, OMIM 305400.

Submission:

3billion
Classification: Likely pathogenic for Aarskog syndrome. Last evaluated: 2022-09-01. Review status: criteria provided, single submitter. Criteria: ACMG Guidelines, 2015. Collection method: clinical testing. Allele origin: germline. Affected: yes. Observed: 1 hemizygote.
Comment: The variant is not observed in the gnomAD v2.1.1 dataset. Stop-gained (nonsense) is predicted to result in a loss or disruption of normal protein function through protein truncation, but there are a few pathogenic/likely pathogenic variants nearby and downstream of the variant. Patient's phenotype is considered compatible with Aarskog-Scott syndrome Therefore, this variant is classified as likely pathogenic according to the recommendation of ACMG/AMP guideline.

NM_004463.3(FGD1):c.2656A>T (p.Arg886Ter)

Genes: FGD1 (FYVE, RhoGEF and PH domain containing 1; minus strand), TSR2 (TSR2 ribosome maturation factor; plus strand). Cytogenetic location: Xp11.22.
Variant type: single nucleotide variant.
Coding change: c.2656A>T on transcript NM_004463.3 (MANE Select); coding-DNA position 2656, A replaced by T.
Protein change: p.Arg886Ter; replaces arginine 886 with a stop codon.
Molecular consequence: nonsense. On other transcripts: 3 prime UTR variant (5).
Genome position (GRCh38, 1-based): chrX:54,446,339, T>A on the plus strand (A>T on the coding strand, the complement: FGD1 is on the minus strand). VCF-style: chrX-54446339-T-A. GRCh37 (hg19) VCF-style: chrX-54472772-T-A.
Other names: c.*1789T>A (NM_001346789.2, NM_001346790.2, NM_001346791.2 and 2 more transcripts); short protein forms R886*.
Identifiers: ClinVar variation 1705427 (VCV001705427.1), dbSNP rs2522684473, ClinGen allele CA413358182.